The following is an entry in ClinVar:

NM_000097.7(CPOX):c.487G>T (p.Val163Leu)

Gene: CPOX (coproporphyrinogen oxidase; minus strand). Cytogenetic location: 3q11.2.
Variant type: single nucleotide variant.
Coding change: c.487G>T on transcript NM_000097.7 (MANE Select); coding-DNA position 487, G replaced by T.
Protein change: p.Val163Leu; replaces valine 163 with leucine.
Molecular consequence: missense variant.
Genome position (GRCh38, 1-based): chr3:98,593,018, C>A on the plus strand (G>T on the coding strand, the complement: CPOX is on the minus strand). VCF-style: chr3-98593018-C-A. GRCh37 (hg19) VCF-style: chr3-98311862-C-A.
Other names: c.487G>T, p.Val163Leu (LRG_1077t1); short protein forms V163L.
Identifiers: ClinVar variation 346983 (VCV000346983.15), dbSNP rs535432218, ClinGen allele CA2511697.

ClinVar aggregate classification (germline): Conflicting classifications of pathogenicity. Review status: criteria provided, conflicting classifications (1 of 4 stars). 5 submissions from 5 submitters: Uncertain significance (4); Likely benign (1). Last evaluated 2024-11-29.

Conditions:
CPOX-related disorder. Also called: CPOX-related condition; CPOX-related disorders.
Inborn genetic diseases. Identifiers: MedGen C0950123, MeSH D030342.
Hereditary coproporphyria (HCP). Also called: Hereditary coproporphyria porphyria; Porphyria hepatica coproporphyria; Porphyria hepatica II; CPRO deficiency; COPROPORPHYRINOGEN OXIDASE DEFICIENCY; CPO DEFICIENCY. Identifiers: Orphanet 79273, MedGen C0162531, MONDO:0007369, OMIM 121300.

Allele frequency attached by ClinVar (database versions not stated): TOPMed 0.00009.
gnomAD v4.1: 72 of 1,613,874 alleles (0.0045%); highest among the groups gnomAD compares: Admixed American, 0.018%; no homozygotes.

Submissions (5):

Labcorp Genetics (formerly Invitae), Labcorp
Classification: Uncertain significance. Last evaluated: 2024-11-29. Review status: criteria provided, single submitter. Criteria: Invitae Variant Classification Sherloc (09022015). Collection method: clinical testing. Allele origin: germline.
Comment: This sequence change replaces valine, which is neutral and non-polar, with leucine, which is neutral and non-polar, at codon 163 of the CPOX protein (p.Val163Leu). This variant is present in population databases (rs535432218, gnomAD 0.02%). This variant has not been reported in the literature in individuals affected with CPOX-related conditions. ClinVar contains an entry for this variant (Variation ID: 346983). Invitae Evidence Modeling of protein sequence and biophysical properties (such as structural, functional, and spatial information, amino acid conservation, physicochemical variation, residue mobility, and thermodynamic stability) indicates that this missense variant is not expected to disrupt CPOX protein function with a negative predictive value of 80%. In summary, the available evidence is currently insufficient to determine the role of this variant in disease. Therefore, it has been classified as a Variant of Uncertain Significance.

Ambry Genetics
Classification: Uncertain significance for Inborn genetic diseases. Last evaluated: 2023-10-02. Review status: criteria provided, single submitter. Criteria: Ambry Variant Classification Scheme 2023. Collection method: clinical testing. Allele origin: germline.

GeneDx
Classification: Uncertain significance. Last evaluated: 2023-04-18. Review status: criteria provided, single submitter. Criteria: GeneDx Variant Classification Process June 2021. Collection method: clinical testing. Allele origin: germline. Affected: yes.
Comment: Has not been previously published as pathogenic or benign to our knowledge; In silico analysis supports that this missense variant does not alter protein structure/function; This variant is associated with the following publications: (PMID: 27535533)

PreventionGenetics, part of Exact Sciences
Classification: Uncertain significance for CPOX-related condition. Last evaluated: 2023-01-04. Review status: criteria provided, single submitter. Criteria: ACMG Guidelines, 2015. Collection method: clinical testing. Allele origin: germline.
Comment: The CPOX c.487G>T variant is predicted to result in the amino acid substitution p.Val163Leu. To our knowledge, this variant has not been reported in the literature. This variant is reported in 0.017% of alleles in individuals of Latino descent in gnomAD. At this time, the clinical significance of this variant is uncertain due to the absence of conclusive functional and genetic evidence.

Illumina Laboratory Services, Illumina
Classification: Likely benign for Hereditary coproporphyria. Last evaluated: 2018-01-13. Review status: criteria provided, single submitter. Criteria: ICSL Variant Classification Criteria 13 December 2019. Collection method: clinical testing. Allele origin: germline.
Comment: This variant was observed in the ICSL laboratory as part of a predisposition screen in an ostensibly healthy population. It had not been previously curated by ICSL or reported in the Human Gene Mutation Database (HGMD: prior to June 1st, 2018), and was therefore a candidate for classification through an automated scoring system. Utilizing variant allele frequency, disease prevalence and penetrance estimates, and inheritance mode, an automated score was calculated to assess if this variant is too frequent to cause the disease. Based on the score and internal cut-off values, a variant classified as likely benign is not then subjected to further curation. The score for this variant resulted in a classification of likely benign for this disease.